The following is an entry in ClinVar:

NM_172107.4(KCNQ2):c.1086C>T (p.Tyr362=)

Gene: KCNQ2 (potassium voltage-gated channel subfamily Q member 2; minus strand). Cytogenetic location: 20q13.33.
Variant type: single nucleotide variant.
Coding change: c.1086C>T on transcript NM_172107.4 (MANE Select); coding-DNA position 1086, C replaced by T.
Protein change: p.Tyr362=; no amino-acid change (tyrosine 362 retained).
Molecular consequence: synonymous variant.
Genome position (GRCh38, 1-based): chr20:63,433,841, G>A on the plus strand (C>T on the coding strand, the complement: KCNQ2 is on the minus strand). VCF-style: chr20-63433841-G-A. GRCh37 (hg19) VCF-style: chr20-62065194-G-A.
Other names: c.1086C>T, p.Tyr362= (NM_001382235.1, NM_004518.6, NM_172106.3 and 2 more transcripts).
Identifiers: ClinVar variation 3063614 (VCV003063614.2), dbSNP rs747376305, ClinGen allele CA9958645.

ClinVar aggregate classification (germline): Likely benign. Review status: criteria provided, multiple submitters, no conflicts (2 of 4 stars). 2 submissions from 2 submitters: Likely benign (2). Last evaluated 2025-05-18.

Conditions:
Early-infantile DEE. Also called: Early infantile epileptic encephalopathy with suppression bursts; Early infantile epileptic encephalopathy; Ohtahara syndrome. Identifiers: Orphanet 1934, MedGen C0393706, MONDO:0800491.

Allele frequency attached by ClinVar (database versions not stated): gnomAD exomes below 0.00001; ExAC 0.00001; gnomAD 0.00001; TOPMed 0.00001.
gnomAD v4.1: 5 of 1,613,820 alleles (0.00031%); highest among the groups gnomAD compares: African/African-American, 0.004%; no homozygotes.

Submissions (2):

Labcorp Genetics (formerly Invitae), Labcorp
Classification: Likely benign for Early-infantile DEE. Last evaluated: 2025-05-18. Review status: criteria provided, single submitter. Criteria: Invitae Variant Classification Sherloc (09022015). Collection method: clinical testing. Allele origin: germline.

Women's Health and Genetics/Laboratory Corporation of America, LabCorp
Classification: Likely benign. Last evaluated: 2024-01-02. Review status: criteria provided, single submitter. Criteria: LabCorp Variant Classification Summary - May 2015. Collection method: clinical testing. Allele origin: germline.
Comment: Variant summary: KCNQ2 c.1086C>T alters a non-conserved nucleotide resulting in a synonymous change. Consensus agreement among computational tools predict no significant impact on normal splicing. However, these predictions have yet to be confirmed by functional studies. The variant allele was found at a frequency of 4e-06 in 251276 control chromosomes (gnomAD). The available data on variant occurrences in the general population are insufficient to allow any conclusion about variant significance. To our knowledge, no occurrence of c.1086C>T in individuals affected with KCNQ2-Related Disorders and no experimental evidence demonstrating its impact on protein function have been reported. No submitters have cited clinical-significance assessments for this variant to ClinVar after 2014. Based on the evidence outlined above, the variant was classified as likely benign.